The following is an entry in ClinVar:

ClinVar aggregate classification (germline): Uncertain significance. Review status: criteria provided, multiple submitters, no conflicts (2 of 4 stars). 4 submissions from 4 submitters: Uncertain significance (4). Last evaluated 2025-03-12.

Conditions:
Inborn genetic diseases. Identifiers: MedGen C0950123, MeSH D030342.

Allele frequency attached by ClinVar (database versions not stated): gnomAD 0.00001 and 0.00002; gnomAD exomes 0.00001 and 0.00002; ExAC 0.00002; TOPMed 0.00002; 1000 Genomes Project 30x 0.00016; 1000 Genomes Project 0.00020.
gnomAD v4.1: 21 of 1,612,398 alleles (0.0013%); highest among the groups gnomAD compares: East Asian, 0.0089%; no homozygotes.

Submissions (4):

Labcorp Genetics (formerly Invitae), Labcorp
Classification: Uncertain significance. Last evaluated: 2025-03-12. Review status: criteria provided, single submitter. Criteria: Invitae Variant Classification Sherloc (09022015). Collection method: clinical testing. Allele origin: germline.
Comment: This sequence change replaces arginine, which is basic and polar, with cysteine, which is neutral and slightly polar, at codon 1247 of the ANKRD26 protein (p.Arg1247Cys). This variant is present in population databases (rs200775533, gnomAD 0.02%). This variant has not been reported in the literature in individuals affected with ANKRD26-related conditions. ClinVar contains an entry for this variant (Variation ID: 1337578). An algorithm developed to predict the effect of missense changes on protein structure and function (PolyPhen-2) suggests that this variant is likely to be disruptive. In summary, the available evidence is currently insufficient to determine the role of this variant in disease. Therefore, it has been classified as a Variant of Uncertain Significance.

Ambry Genetics
Classification: Uncertain significance for Inborn genetic diseases. Last evaluated: 2025-02-22. Review status: criteria provided, single submitter. Criteria: Ambry Variant Classification Scheme 2023. Collection method: clinical testing. Allele origin: germline.
Comment: The p.R1247C variant (also known as c.3739C>T), located in coding exon 25 of the ANKRD26 gene, results from a C to T substitution at nucleotide position 3739. The arginine at codon 1247 is replaced by cysteine, an amino acid with highly dissimilar properties. This amino acid position is conserved. In addition, the in silico prediction for this alteration is inconclusive. Based on the available evidence, the clinical significance of this variant remains unclear.

Blueprint Genetics
Classification: Uncertain significance. Last evaluated: 2024-04-05. Review status: criteria provided, single submitter. Criteria: ACMG Guidelines, 2015. Collection method: clinical testing. Allele origin: germline.

Genetic Services Laboratory, University of Chicago
Classification: Uncertain significance. Last evaluated: 2020-03-19. Review status: criteria provided, single submitter. Criteria: ACMG Guidelines, 2015. Collection method: clinical testing. Allele origin: germline. Affected: no.
Comment: DNA sequence analysis of the ANKRD26 gene demonstrated a sequence change, c.3739C>T, in exon 25 that results in an amino acid change, p.Arg1247Cys. This sequence change does not appear to have been previously described in patients with ANKRD26-related disorders and has been described in the gnomAD database with an overall low population frequency of 0.0018% (dbSNP rs200775533). The p.Arg1247Cys change affects a highly conserved amino acid residue located in a domain of the ANKRD26 protein that is known to be functional. In-silico pathogenicity prediction tools (SIFT, PolyPhen2, Align GVGD, REVEL) provide contradictory results for the p.Arg1247Cys substitution. Due to these contrasting evidences and the lack of functional studies, the clinical significance of the p.Arg1247Cys change remains unknown at this time.

NM_014915.3(ANKRD26):c.3739C>T (p.Arg1247Cys)

Gene: ANKRD26 (ankyrin repeat domain 26; minus strand). Cytogenetic location: 10p12.1.
Variant type: single nucleotide variant.
Coding change: c.3739C>T on transcript NM_014915.3 (MANE Select); coding-DNA position 3739, C replaced by T.
Protein change: p.Arg1247Cys; replaces arginine 1247 with cysteine.
Molecular consequence: missense variant.
Genome position (GRCh38, 1-based): chr10:27,033,293, G>A on the plus strand (C>T on the coding strand, the complement: ANKRD26 is on the minus strand). VCF-style: chr10-27033293-G-A. GRCh37 (hg19) VCF-style: chr10-27322222-G-A.
Other names: c.3736C>T, p.Arg1246Cys (NM_001256053.2); short protein forms R1246C, R1247C.
Identifiers: ClinVar variation 1337578 (VCV001337578.11), dbSNP rs200775533, ClinGen allele CA5447968.